The following is an entry in ClinVar:

ClinVar aggregate classification (germline): Uncertain significance (1 of 4 stars; one submission).

Conditions:
Hereditary cancer-predisposing syndrome. Also called: Neoplastic Syndromes, Hereditary; Tumor predisposition; Hereditary neoplastic syndrome; Hereditary Cancer Syndrome. Identifiers: Orphanet 140162, MedGen C0027672, MeSH D009386, MONDO:0015356.

Submission:

Ambry Genetics
Classification: Uncertain significance for Hereditary cancer-predisposing syndrome. Last evaluated: 2019-04-05. Review status: criteria provided, single submitter. Criteria: Ambry Variant Classification Scheme 2023. Collection method: clinical testing. Allele origin: germline.
Comment: The p.D236Y variant (also known as c.706G>T), located in coding exon 7 of the MRE11A gene, results from a G to T substitution at nucleotide position 706. The aspartic acid at codon 236 is replaced by tyrosine, an amino acid with highly dissimilar properties. This amino acid position is highly conserved in available vertebrate species. In addition, this alteration is predicted to be deleterious by in silico analysis. Since supporting evidence is limited at this time, the clinical significance of this alteration remains unclear.

NM_005591.4(MRE11):c.706G>T (p.Asp236Tyr)

Gene: MRE11 (MRE11 double strand break repair nuclease; minus strand). Cytogenetic location: 11q21.
Variant type: single nucleotide variant.
Coding change: c.706G>T on transcript NM_005591.4 (MANE Select); coding-DNA position 706, G replaced by T.
Protein change: p.Asp236Tyr; replaces aspartic acid 236 with tyrosine.
Molecular consequence: missense variant.
Genome position (GRCh38, 1-based): chr11:94,471,713, C>A on the plus strand (G>T on the coding strand, the complement: MRE11 is on the minus strand). VCF-style: chr11-94471713-C-A. GRCh37 (hg19) VCF-style: chr11-94204879-C-A.
Other names: c.706G>T, p.Asp236Tyr (NM_001330347.2, NM_005590.4); short protein forms D236Y.
Identifiers: ClinVar variation 826815 (VCV000826815.4), dbSNP rs1591695452, ClinGen allele CA382375860.
Genomic context (GRCh38, chr11:94,471,713, plus strand): 5'-TTTTGGTTGGAGCTATTTTACACTCATGTTCATGGCCCCAGATAACAAGATCAATGAAGT[C>A]ATCCAAAAATTGTTCTGGAATGAAGTTAGTACTTCCATGTTTACTCCTGTATCAAGATTT-3'
Protein context (NP_005582.1, residues 226-246): TNFIPEQFLD[Asp236Tyr]FIDLVIWGHE